The following is an entry in ClinVar:

ClinVar aggregate classification (germline): Uncertain significance (1 of 4 stars; one submission).

Conditions:
Inborn genetic diseases. Identifiers: MedGen C0950123, MeSH D030342.

gnomAD v4.1: 8 of 1,613,540 alleles (0.0005%); highest among the groups gnomAD compares: Non-Finnish European, 0.00017%; no homozygotes.

Submission:

Ambry Genetics
Classification: Uncertain significance for Inborn genetic diseases. Last evaluated: 2025-09-11. Review status: criteria provided, single submitter. Criteria: Ambry Variant Classification Scheme 2023. Collection method: clinical testing. Allele origin: germline.
Comment: The p.E110K variant (also known as c.328G>A), located in coding exon 3 of the CEP57 gene, results from a G to A substitution at nucleotide position 328. The glutamic acid at codon 110 is replaced by lysine, an amino acid with similar properties. This amino acid position is conserved. In addition, this alteration is predicted to be tolerated by in silico analysis. Based on the available evidence, the clinical significance of this variant remains unclear.

NM_014679.5(CEP57):c.328G>A (p.Glu110Lys)

Gene: CEP57 (centrosomal protein 57; plus strand). Cytogenetic location: 11q21.
Variant type: single nucleotide variant.
Coding change: c.328G>A on transcript NM_014679.5 (MANE Select); coding-DNA position 328, G replaced by A.
Protein change: p.Glu110Lys; replaces glutamic acid 110 with lysine.
Molecular consequence: missense variant. On other transcripts: intron variant (3).
Genome position (GRCh38, 1-based): chr11:95,813,057, G>A. VCF-style: chr11-95813057-G-A. GRCh37 (hg19) VCF-style: chr11-95546221-G-A.
Other names: c.301G>A, p.Glu101Lys (NM_001243776.2); c.328G>A, p.Glu110Lys (NM_001243777.2, NM_001440871.1, NM_001440872.1 and 4 more transcripts); c.247G>A, p.Glu83Lys (NM_001363604.2, NM_001440869.1, NM_001440870.1 and 3 more transcripts); c.203-411G>A (NM_001440873.1, NM_001440881.1); c.122-411G>A (NM_001440880.1); short protein forms E110K, E101K, E83K.
Identifiers: ClinVar variation 4226407 (VCV004226407.1).
Genomic context (GRCh38, chr11:95,813,057, plus strand): 5'-GCAGAAGAAAGTGTGAAAACCTTGTCTAGAGAAACAATTGAATATAAGAAAGTACTGGAT[G>A]AACAGATACAAGAAAGGGAGAATTCAAAGAATGAGGAATCAAAGCACAATCAAGGTTTGT-3'
Protein context (NP_055494.2, residues 100-120): ETIEYKKVLD[Glu110Lys]QIQERENSKN